The following is an entry in ClinVar:

ClinVar aggregate classification (germline): Uncertain significance (1 of 4 stars; one submission).

Conditions:
Hereditary diffuse gastric adenocarcinoma (HDGC). Also called: DIFFUSE GASTRIC AND LOBULAR BREAST CANCER SYNDROME. Identifiers: Orphanet 26106, MedGen C1708349, MONDO:0007648, OMIM 137215.

Submission:

Labcorp Genetics (formerly Invitae), Labcorp
Classification: Uncertain significance for Hereditary diffuse gastric adenocarcinoma. Last evaluated: 2023-01-03. Review status: criteria provided, single submitter. Criteria: Invitae Variant Classification Sherloc (09022015). Collection method: clinical testing. Allele origin: germline.
Comment: This sequence change falls in intron 1 of the CDH1 gene. It does not directly change the encoded amino acid sequence of the CDH1 protein. This variant is not present in population databases (gnomAD no frequency). This variant has not been reported in the literature in individuals affected with CDH1-related conditions. Algorithms developed to predict the effect of sequence changes on RNA splicing suggest that this variant may create or strengthen a splice site. In summary, the available evidence is currently insufficient to determine the role of this variant in disease. Therefore, it has been classified as a Variant of Uncertain Significance.

NM_004360.5(CDH1):c.49-13T>A

Gene: CDH1 (cadherin 1; plus strand). Cytogenetic location: 16q22.1.
Variant type: single nucleotide variant.
Coding change: c.49-13T>A on transcript NM_004360.5 (MANE Select); 13 bases into the intron before coding-DNA position 49, T replaced by A.
Molecular consequence: intron variant.
Genome position (GRCh38, 1-based): chr16:68,738,284, T>A. VCF-style: chr16-68738284-T-A. GRCh37 (hg19) VCF-style: chr16-68772187-T-A.
Other names: c.-1567-13T>A (NM_001317185.2); c.-1771-13T>A (NM_001317186.2); c.49-13T>A (NM_001317184.2).
Identifiers: ClinVar variation 2826034 (VCV002826034.3), dbSNP rs2543816379, ClinGen allele CA2739266841.